The following is an entry in ClinVar:

Conditions:
Arteriohepatic dysplasia. Also called: Alagille Syndrome. Identifiers: Orphanet 52, MedGen C0085280, MeSH D016738, MONDO:0007318.

Submission:

Gilbert/Spinner Lab, Children's Hospital of Philadelphia
No classification provided (evidence only). Condition: Alagille syndrome. Review status: no classification provided. Collection method: research. Allele origin: not applicable. Functional consequence: functionally_abnormal.
ClinVar note: "not provided" was previously submitted as the classification for the variant. However, the classification appeared to be based only on an observation of functional data so it was converted to no classification on 2025-07-30.

NM_000214.3(JAG1):c.69C>G (p.Ala23=)

Gene: JAG1 (jagged canonical Notch ligand 1; minus strand). Cytogenetic location: 20p12.2.
Variant type: single nucleotide variant.
Coding change: c.69C>G on transcript NM_000214.3 (MANE Select); coding-DNA position 69, C replaced by G.
Protein change: p.Ala23=; no amino-acid change (alanine 23 retained).
Molecular consequence: synonymous variant.
Genome position (GRCh38, 1-based): chr20:10,673,462, G>C on the plus strand (C>G on the coding strand, the complement: JAG1 is on the minus strand). VCF-style: chr20-10673462-G-C. GRCh37 (hg19) VCF-style: chr20-10654110-G-C.
Identifiers: ClinVar variation 3573216 (VCV003573216.2).